The following is an entry in ClinVar:

ClinVar aggregate classification (germline): Benign/Likely benign. Review status: criteria provided, multiple submitters, no conflicts (2 of 4 stars). 5 submissions from 5 submitters: Benign (1); Likely benign (3). 1 of the submissions does not count toward it. Last evaluated 2026-09-01.

Conditions:
ANXA11-related disorder. Also called: ANXA11-related condition.

Allele frequency attached by ClinVar (database versions not stated): gnomAD 0.00134 and 0.00140; ESP Exome Variant Server 0.00138; 1000 Genomes Project 0.00140; 1000 Genomes Project 30x 0.00156; TOPMed 0.00159.
gnomAD v4.1: 1,378 of 1,614,120 alleles (0.085%); highest among the groups gnomAD compares: Middle Eastern, 0.96%; 4 homozygotes.

Submissions (5):

CeGaT Center for Human Genetics Tuebingen
Classification: Benign. Last evaluated: 2026-09-01. Review status: criteria provided, single submitter. Criteria: CeGaT Center For Human Genetics Tuebingen Variant Classification Criteria Version 2. Collection method: clinical testing. Allele origin: germline. Affected: yes. Observed: 2 variant alleles.
Comment: ANXA11: BS1, BS2

Labcorp Genetics (formerly Invitae), Labcorp
Classification: Likely benign. Last evaluated: 2025-11-25. Review status: criteria provided, single submitter. Criteria: Invitae Variant Classification Sherloc (09022015). Collection method: clinical testing. Allele origin: germline.

Blueprint Genetics
Classification: Likely benign. Last evaluated: 2024-09-20. Review status: criteria provided, single submitter. Criteria: ACMG Guidelines, 2015. Collection method: clinical testing. Allele origin: germline.

Breakthrough Genomics
Classification: Likely benign. Review status: criteria provided, single submitter. Criteria: ACMG Guidelines, 2015. Collection method: not provided. Allele origin: germline. Inheritance: Autosomal dominant inheritance. Affected: yes.

PreventionGenetics, part of Exact Sciences
Classification: Likely benign for ANXA11-related condition. Last evaluated: 2019-05-15. Review status: no assertion criteria provided. Collection method: clinical testing. Allele origin: germline. Not counted in ClinVar's aggregate classification.
Comment: This variant is classified as likely benign based on ACMG/AMP sequence variant interpretation guidelines (Richards et al. 2015 PMID: 25741868, with internal and published modifications).

NM_145868.2(ANXA11):c.629G>A (p.Arg210Gln)

Gene: ANXA11 (annexin A11; minus strand). Cytogenetic location: 10q22.3.
Variant type: single nucleotide variant.
Coding change: c.629G>A on transcript NM_145868.2 (MANE Select); coding-DNA position 629, G replaced by A.
Protein change: p.Arg210Gln; replaces arginine 210 with glutamine.
Molecular consequence: missense variant.
Genome position (GRCh38, 1-based): chr10:80,167,246, C>T on the plus strand (G>A on the coding strand, the complement: ANXA11 is on the minus strand). VCF-style: chr10-80167246-C-T. GRCh37 (hg19) VCF-style: chr10-81927002-C-T.
Other names: c.629G>A, p.Arg210Gln (NM_001157.3, NM_001278407.2, NM_001278408.2 and 1 more transcripts); c.530G>A, p.Arg177Gln (NM_001278409.2); c.629G>A (NM_145869.1); short protein forms R177Q, R210Q.
Identifiers: ClinVar variation 1543617 (VCV001543617.14), dbSNP rs147610631, ClinGen allele CA5576223.